The following is an entry in ClinVar:

ClinVar aggregate classification (germline): Uncertain significance (1 of 4 stars; one submission).

Submission:

Women's Health and Genetics/Laboratory Corporation of America, LabCorp
Classification: Uncertain significance. Last evaluated: 2023-12-22. Review status: criteria provided, single submitter. Criteria: LabCorp Variant Classification Summary - May 2015. Collection method: clinical testing. Allele origin: germline.
Comment: Variant summary: GH1 c.-5_-4delinsTG is located in the untranslated mRNA region upstream of the initiation codon. The variant was not reported in 282512 control chromosomes, although the gnomAD database reports two separate variants occuring at different frequencies which if found in cis would constitute this variant. The available data on variant occurrences in the general population are insufficient to allow any conclusion about variant significance. To our knowledge, no occurrence of c.-5_-4delinsTG in individuals affected with Idiopathic Growth Hormone Deficiency and no experimental evidence demonstrating its impact on protein function have been reported. No submitters have cited clinical-significance assessments for this variant to ClinVar after 2014. Based on the evidence outlined above, the variant was classified as uncertain significance.

NM_000515.5(GH1):c.-5_-4delinsTG

Genes: GH-LCR (growth hormone locus control region; plus strand), GH1 (growth hormone 1; minus strand). Cytogenetic location: 17q23.3.
Variant type: Indel.
Coding change: c.-5_-4delinsTG on transcript NM_000515.5 (MANE Select); 5 bases upstream of the start codon through 4 bases upstream of the start codon, CT replaced by TG.
Molecular consequence: 5 prime UTR variant.
Genome position (GRCh38, 1-based): chr17:63,918,780-63,918,781, AG replaced by CA on the plus strand (CT replaced by TG on the coding strand, the reverse complement: GH1 is on the minus strand). VCF-style: chr17-63918780-AG-CA. GRCh37 (hg19) VCF-style: chr17-61996140-AG-CA.
Other names: c.-5_-4delinsTG (NM_022559.4, NM_022560.4).
Identifiers: ClinVar variation 2691378 (VCV002691378.1), dbSNP rs2509254524, ClinGen allele CA2697555081.